The following is an entry in ClinVar:

NM_145064.3(STAC3):c.214GAG[6] (p.Glu76dup)

Gene: STAC3 (SH3 and cysteine rich domain 3; minus strand). Cytogenetic location: 12q13.3.
Variant type: Microsatellite.
Coding change: c.214GAG[6] on transcript NM_145064.3 (MANE Select); six copies in a row of the 3-base unit GAG starting at c.214; the reference has five copies in a row; one copy, 3 bases duplicated.
Protein change: p.Glu76dup; duplicates glutamic acid 76.
Molecular consequence: inframe insertion. On other transcripts: intron variant (1).
Genome position (GRCh38, 1-based): chr12:57,249,147-57,249,149, CTC duplicated on the plus strand (GAG on the coding strand, the reverse complement: STAC3 is on the minus strand); duplicating any 3 consecutive bases within chr12:57,249,147-57,249,161 gives the same sequence; the position shown is the placement nearest the transcript's 3' end. VCF-style (leftmost placement, unchanged base first): chr12-57249146-G-GCTC. GRCh37 (hg19) VCF-style: chr12-57642929-G-GCTC.
Other names: c.97GAG[6], p.Glu37dup (NM_001286256.2); c.-126-963GAG[6] (NM_001286257.2).
Identifiers: ClinVar variation 1357602 (VCV001357602.5), dbSNP rs781007752, ClinGen allele CA6647218.

ClinVar aggregate classification (germline): Uncertain significance (1 of 4 stars; one submission).

Conditions:
Bailey-Bloch congenital myopathy (CMYO13). Also called: Congenital myopathy 13; Native American myopathy; STAC3 disorder. Identifiers: Orphanet 168572, MedGen C1850625, MONDO:0009722, OMIM 255995.

Submission:

Labcorp Genetics (formerly Invitae), Labcorp
Classification: Uncertain significance for Bailey-Bloch congenital myopathy. Last evaluated: 2022-07-21. Review status: criteria provided, single submitter. Criteria: Invitae Variant Classification Sherloc (09022015). Collection method: clinical testing. Allele origin: germline.
Comment: This variant, c.226_228dup, results in the insertion of 1 amino acid(s) of the STAC3 protein (p.Glu76dup), but otherwise preserves the integrity of the reading frame. This variant is present in population databases (rs781010949, gnomAD 0.04%). This variant has not been reported in the literature in individuals affected with STAC3-related conditions. Experimental studies and prediction algorithms are not available or were not evaluated, and the functional significance of this variant is currently unknown. In summary, the available evidence is currently insufficient to determine the role of this variant in disease. Therefore, it has been classified as a Variant of Uncertain Significance.